The following is an entry in ClinVar:

NM_004397.6(DDX6):c.1175-4dup

Gene: DDX6 (DEAD-box helicase 6; minus strand). Cytogenetic location: 11q23.3.
Variant type: Duplication.
Coding change: c.1175-4dup on transcript NM_004397.6 (MANE Select); 4 bases into the intron before coding-DNA position 1175, one base duplicated (T; older notation c.1175-4dupT).
Molecular consequence: intron variant.
Genome position (GRCh38, 1-based): chr11:118,755,507, A duplicated on the plus strand (T on the coding strand, the reverse complement: DDX6 is on the minus strand); the first of 11 consecutive A bases (chr11:118,755,507-118,755,517); duplicating any one gives the same sequence. VCF-style (leftmost placement, unchanged base first): chr11-118755506-T-TA. GRCh37 (hg19) VCF-style: chr11-118626215-T-TA.
Other names: c.1175-4dup (NM_001257191.3).
Identifiers: ClinVar variation 3059409 (VCV003059409.2), dbSNP rs551201488, ClinGen allele CA6308329.

ClinVar aggregate classification (germline): Likely benign (0 of 4 stars; one submission).

Conditions:
DDX6-related disorder. Also called: DDX6-related condition.

Submission:

PreventionGenetics, part of Exact Sciences
Classification: Likely benign for DDX6-related condition. Last evaluated: 2020-04-29. Review status: no assertion criteria provided. Collection method: clinical testing. Allele origin: germline.
Comment: This variant is classified as likely benign based on ACMG/AMP sequence variant interpretation guidelines (Richards et al. 2015 PMID: 25741868, with internal and published modifications).